The following is an entry in ClinVar:

NM_004525.3(LRP2):c.9733G>T (p.Asp3245Tyr)

Gene: LRP2 (LDL receptor related protein 2; minus strand). Cytogenetic location: 2q31.1.
Variant type: single nucleotide variant.
Coding change: c.9733G>T on transcript NM_004525.3 (MANE Select); coding-DNA position 9733, G replaced by T.
Protein change: p.Asp3245Tyr; replaces aspartic acid 3245 with tyrosine.
Molecular consequence: missense variant.
Genome position (GRCh38, 1-based): chr2:169,185,615, C>A on the plus strand (G>T on the coding strand, the complement: LRP2 is on the minus strand). VCF-style: chr2-169185615-C-A. GRCh37 (hg19) VCF-style: chr2-170042125-C-A.
Other names: short protein forms D3245Y.
Identifiers: ClinVar variation 437989 (VCV000437989.7), dbSNP rs759025536, ClinGen allele CA349153380.

ClinVar aggregate classification (germline): Uncertain significance. Review status: criteria provided, multiple submitters, no conflicts (2 of 4 stars). 3 submissions from 3 submitters: Uncertain significance (2). 1 of the submissions does not count toward it. Last evaluated 2024-11-05.

Conditions:
Retinal dystrophy. Also called: Inherited retinal dystrophy. Identifiers: Orphanet 71862, MedGen C0854723, MeSH D058499, MONDO:0019118, HP:0000556.

gnomAD v4.1: 52 of 1,614,016 alleles (0.0032%); highest among the groups gnomAD compares: Non-Finnish European, 0.0042%; no homozygotes.

Submissions (3):

Labcorp Genetics (formerly Invitae), Labcorp
Classification: Uncertain significance. Last evaluated: 2024-11-05. Review status: criteria provided, single submitter. Criteria: Invitae Variant Classification Sherloc (09022015). Collection method: clinical testing. Allele origin: germline.
Comment: This sequence change replaces aspartic acid, which is acidic and polar, with tyrosine, which is neutral and polar, at codon 3245 of the LRP2 protein (p.Asp3245Tyr). This variant is present in population databases (no rsID available, gnomAD 0.01%). This missense change has been observed in individual(s) with retinal dystrophy (PMID: 28041643). ClinVar contains an entry for this variant (Variation ID: 437989). Invitae Evidence Modeling of protein sequence and biophysical properties (such as structural, functional, and spatial information, amino acid conservation, physicochemical variation, residue mobility, and thermodynamic stability) indicates that this missense variant is expected to disrupt LRP2 protein function with a positive predictive value of 95%. In summary, the available evidence is currently insufficient to determine the role of this variant in disease. Therefore, it has been classified as a Variant of Uncertain Significance.

GeneDx
Classification: Uncertain significance. Last evaluated: 2021-04-08. Review status: criteria provided, single submitter. Criteria: GeneDx Variant Classification Process June 2021. Collection method: clinical testing. Allele origin: germline. Affected: yes.
Comment: Not observed at a significant frequency in large population cohorts (Lek et al., 2016); In silico analysis supports that this missense variant has a deleterious effect on protein structure/function; Observed with another missense variant in LRP2 in a patient with retinal dystrophy in the published literature, but it is not known whether the variants occurred on the same (in cis) or on different (in trans) chromosomes (Carss et al., 2017); This variant is associated with the following publications: (PMID: 32581362, 28041643)

NIHR Bioresource Rare Diseases, University of Cambridge
Classification: Likely pathogenic for Retinal dystrophy. Last evaluated: 2015-01-01. Review status: no assertion criteria provided. Collection method: research. Allele origin: unknown. Affected: yes. Observed: 1 variant allele. Not counted in ClinVar's aggregate classification.

Literature cited by the submitters: PubMed 28041643 (cited by Labcorp Genetics (formerly Invitae), Labcorp and NIHR Bioresource Rare Diseases, University of Cambridge).